The following is an entry in ClinVar:

ClinVar aggregate classification (germline): Benign/Likely benign. Review status: criteria provided, multiple submitters, no conflicts (2 of 4 stars). 3 submissions from 3 submitters: Benign (1); Likely benign (2). Last evaluated 2024-03-01.

Conditions:
Familial adenomatous polyposis 1 (FAP1). Also called: FAMILIAL ADENOMATOUS POLYPOSIS 1, ATTENUATED; POLYPOSIS, ADENOMATOUS INTESTINAL. Identifiers: MedGen C2713442, MONDO:0021056, OMIM 175100. Disease mechanism: loss of function.
Hereditary cancer-predisposing syndrome. Also called: Tumor predisposition; Hereditary neoplastic syndrome; Neoplastic Syndromes, Hereditary; Hereditary Cancer Syndrome. Identifiers: Orphanet 140162, MedGen C0027672, MeSH D009386, MONDO:0015356.

Submissions (3):

Myriad Genetics, Inc.
Classification: Benign for Familial adenomatous polyposis 1. Last evaluated: 2024-03-01. Review status: criteria provided, single submitter. Criteria: Myriad Autosomal Dominant, Autosomal Recessive and X-Linked Classification Criteria (2023). Collection method: clinical testing. Allele origin: unknown.
Comment: This variant is considered benign. This variant is a silent/synonymous amino acid change and it is not expected to impact splicing.

Color Diagnostics, LLC DBA Color Health
Classification: Likely benign for Hereditary cancer-predisposing syndrome. Last evaluated: 2019-05-22. Review status: criteria provided, single submitter. Criteria: ACMG Guidelines, 2015. Collection method: clinical testing. Allele origin: germline.

Ambry Genetics
Classification: Likely benign for Hereditary cancer-predisposing syndrome. Last evaluated: 2018-01-17. Review status: criteria provided, single submitter. Criteria: Ambry Variant Classification Scheme 2023. Collection method: clinical testing. Allele origin: germline.

NM_000038.6(APC):c.1371A>G (p.Ser457=)

Gene: APC (APC regulator of Wnt signaling pathway; plus strand). Cytogenetic location: 5q22.2.
Variant type: single nucleotide variant.
Coding change: c.1371A>G on transcript NM_000038.6 (MANE Select); coding-DNA position 1371, A replaced by G.
Protein change: p.Ser457=; no amino-acid change (serine 457 retained).
Molecular consequence: synonymous variant.
Genome position (GRCh38, 1-based): chr5:112,821,954, A>G. VCF-style: chr5-112821954-A-G. GRCh37 (hg19) VCF-style: chr5-112157651-A-G.
Other names: c.522A>G, p.Ser174= (NM_001354906.2); c.1371A>G, p.Ser457= (NM_001127510.3, NM_001354895.2, NM_001354896.2); c.1317A>G, p.Ser439= (NM_001127511.3); c.1401A>G, p.Ser467= (NM_001354897.2); c.1296A>G, p.Ser432= (NM_001354898.2); c.1287A>G, p.Ser429= (NM_001354899.2); c.1194A>G, p.Ser398= (NM_001354900.2, NM_001354901.2); c.1098A>G, p.Ser366= (NM_001354902.2); and 3 more.
Identifiers: ClinVar variation 819014 (VCV000819014.6), dbSNP rs1580542473, ClinGen allele CA445755868.